The following is an entry in ClinVar:

ClinVar aggregate classification (germline): Uncertain significance. Review status: criteria provided, multiple submitters, no conflicts (2 of 4 stars). 4 submissions from 4 submitters: Uncertain significance (4). Last evaluated 2024-02-28.

Conditions:
Neurofibromatosis, type 1 (NF1). Also called: VON RECKLINGHAUSEN DISEASE; NEUROFIBROMATOSIS, TYPE I, SOMATIC; Peripheral type neurofibromatosis; Neurofibromatosis, type I. Identifiers: Orphanet 636, MedGen C0027831, MONDO:0018975, OMIM 162200. Disease mechanism: loss of function.
Juvenile myelomonocytic leukemia (JMML). Also called: LEUKEMIA, JUVENILE MYELOMONOCYTIC, SOMATIC. Identifiers: Orphanet 86834, MedGen C0349639, MONDO:0011908, OMIM 607785, HP:0012209.
Café-au-lait macules with pulmonary stenosis (WTSN). Also called: PULMONIC STENOSIS WITH CAFE-AU-LAIT SPOTS. Identifiers: MedGen C0553586, MONDO:0008672, OMIM 193520.
Neurofibromatosis-Noonan syndrome (NFNS). Also called: NEUROFIBROMATOSIS WITH NOONAN PHENOTYPE. Identifiers: Orphanet 638, MedGen C2931482, MONDO:0011035, OMIM 601321. Disease mechanism: loss of function.
Neurofibromatosis, familial spinal (FSNF). Identifiers: Orphanet 636, MedGen C1834235, MONDO:0008078, OMIM 162210. Disease mechanism: loss of function.
Cardiovascular phenotype. Identifiers: MedGen CN230736.
Hereditary cancer-predisposing syndrome. Also called: Neoplastic Syndromes, Hereditary; Tumor predisposition; Hereditary neoplastic syndrome; Hereditary Cancer Syndrome. Identifiers: Orphanet 140162, MedGen C0027672, MeSH D009386, MONDO:0015356.

Submissions (4):

Fulgent Genetics
Classification: Uncertain significance for Neurofibromatosis, type 1; Neurofibromatosis, familial spinal; Café-au-lait macules with pulmonary stenosis; Neurofibromatosis-Noonan syndrome; Juvenile myelomonocytic leukemia. Last evaluated: 2024-02-28. Review status: criteria provided, single submitter. Criteria: ACMG Guidelines, 2015. Collection method: clinical testing. Allele origin: germline.

Genome-Nilou Lab
Classification: Uncertain significance for Neurofibromatosis, type 1. Last evaluated: 2022-03-15. Review status: criteria provided, single submitter. Criteria: ACMG Guidelines, 2015. Collection method: clinical testing. Allele origin: germline. Affected: no.

Ambry Genetics
Classification: Uncertain significance for Cardiovascular phenotype; Hereditary cancer-predisposing syndrome. Last evaluated: 2019-11-05. Review status: criteria provided, single submitter. Criteria: Ambry Variant Classification Scheme 2023. Collection method: clinical testing. Allele origin: germline.
Comment: The p.L79F variant (also known as c.237A>T), located in coding exon 3 of the NF1 gene, results from an A to T substitution at nucleotide position 237. The leucine at codon 79 is replaced by phenylalanine, an amino acid with highly similar properties. This amino acid position is highly conserved in available vertebrate species. Using the BDGP and ESEfinder splice site prediction tools, this alteration is predicted to create a new alternate splice acceptor site; however, direct evidence is unavailable. In addition, this alteration is predicted to be tolerated by in silico analysis. Since supporting evidence is limited at this time, the clinical significance of this alteration remains unclear.

Labcorp Genetics (formerly Invitae), Labcorp
Classification: Uncertain significance for Neurofibromatosis, type 1. Last evaluated: 2017-11-28. Review status: criteria provided, single submitter. Criteria: Invitae Variant Classification Sherloc (09022015). Collection method: clinical testing. Allele origin: germline.
Comment: In summary, the available evidence is currently insufficient to determine the role of this variant in disease. Therefore, it has been classified as a Variant of Uncertain Significance. Algorithms developed to predict the effect of missense changes on protein structure and function do not agree on the potential impact of this missense change (SIFT: "Tolerated"; PolyPhen-2: "Probably damaging"; Align-GVGD: "Class C0"). This variant has not been reported in the literature in individuals with NF1-related disease. This variant is not present in population databases (ExAC no frequency). This sequence change replaces leucine with phenylalanine at codon 79 of the NF1 protein (p.Leu79Phe). The leucine residue is moderately conserved and there is a small physicochemical difference between leucine and phenylalanine.

NM_001042492.3(NF1):c.237A>T (p.Leu79Phe)

Gene: NF1 (neurofibromin 1; plus strand). Cytogenetic location: 17q11.2.
Variant type: single nucleotide variant.
Coding change: c.237A>T on transcript NM_001042492.3 (MANE Select); coding-DNA position 237, A replaced by T.
Protein change: p.Leu79Phe; replaces leucine 79 with phenylalanine.
Molecular consequence: missense variant.
Genome position (GRCh38, 1-based): chr17:31,159,042, A>T. VCF-style: chr17-31159042-A-T. GRCh37 (hg19) VCF-style: chr17-29486060-A-T.
Other names: c.237A>T, p.Leu79Phe (NM_000267.4, NM_001128147.3); short protein forms L79F.
Identifiers: ClinVar variation 527577 (VCV000527577.12), dbSNP rs752208826, ClinGen allele CA398989603.
Genomic context (GRCh38, chr17:31,159,042, plus strand): 5'-TTTATGTTCTGAATATCTTTTCTGTTAGAGAATATTTGGAGAAGCTGCTGAAAAAAATTT[A>T]TATCTCTCTCAGTTGATTATATTGGATACACTGGAAAAATGTCTTGCTGGGGTAAGTAAA-3'
Protein context (NP_001035957.1, residues 69-89): RIFGEAAEKN[Leu79Phe]YLSQLIILDT